The following is an entry in ClinVar:

NM_004204.5(PIGQ):c.1417-3C>T

Gene: PIGQ (phosphatidylinositol glycan anchor biosynthesis class Q; plus strand). Cytogenetic location: 16p13.3.
Variant type: single nucleotide variant.
Coding change: c.1417-3C>T on transcript NM_004204.5 (MANE Select); 3 bases into the intron before coding-DNA position 1417, C replaced by T.
Molecular consequence: intron variant.
Genome position (GRCh38, 1-based): chr16:580,855, C>T. VCF-style: chr16-580855-C-T. GRCh37 (hg19) VCF-style: chr16-630855-C-T.
Other names: c.1417-3C>T (NM_148920.4).
Identifiers: ClinVar variation 852363 (VCV000852363.8), dbSNP rs199992680, ClinGen allele CA276487451.

ClinVar aggregate classification (germline): Uncertain significance (1 of 4 stars; one submission).

Conditions:
Epilepsy. Also called: Seizure disorder. Identifiers: MedGen C0014544, MeSH D004827, MONDO:0005027.

Allele frequency attached by ClinVar (database versions not stated): gnomAD exomes 0.00001; gnomAD 0.00004; TOPMed 0.00005.
gnomAD v4.1: 101 of 1,379,784 alleles (0.0073%); highest among the groups gnomAD compares: Non-Finnish European, 0.01%; no homozygotes.

Submissions (2):

Labcorp Genetics (formerly Invitae), Labcorp
Classification: Uncertain significance for Epilepsy. Last evaluated: 2022-07-05. Review status: criteria provided, single submitter. Criteria: Invitae Variant Classification Sherloc (09022015). Collection method: clinical testing. Allele origin: germline.
Comment: This sequence change falls in intron 8 of the PIGQ gene. It does not directly change the encoded amino acid sequence of the PIGQ protein. It affects a nucleotide within the consensus splice site. This variant is present in population databases (rs199992680, gnomAD 0.002%). This variant has not been reported in the literature in individuals affected with PIGQ-related conditions. ClinVar contains an entry for this variant (Variation ID: 852363). Variants that disrupt the consensus splice site are a relatively common cause of aberrant splicing (PMID: 17576681, 9536098). Algorithms developed to predict the effect of sequence changes on RNA splicing suggest that this variant is not likely to affect RNA splicing. In summary, the available evidence is currently insufficient to determine the role of this variant in disease. Therefore, it has been classified as a Variant of Uncertain Significance.

Dr. Peter K. Rogan Lab, Western University
No classification provided (evidence only). Condition: Cervical cancer. Review status: no classification provided. Collection method: in vitro. Allele origin: not applicable. Functional consequence: retained intron. Not counted in ClinVar's aggregate classification.

Literature cited by the submitters: PubMed 17576681 (cited by Labcorp Genetics (formerly Invitae), Labcorp); PubMed 9536098 (cited by Labcorp Genetics (formerly Invitae), Labcorp).